The following is an entry in ClinVar:

NM_001122955.4(BSCL2):c.469A>G (p.Lys157Glu)

Genes: BSCL2 (BSCL2 lipid droplet biogenesis associated, seipin; minus strand), HNRNPUL2-BSCL2 (HNRNPUL2-BSCL2 readthrough (NMD candidate); minus strand). Cytogenetic location: 11q12.3.
Variant type: single nucleotide variant.
Coding change: c.469A>G on transcript NM_001122955.4 (MANE Select); coding-DNA position 469, A replaced by G.
Protein change: p.Lys157Glu; replaces lysine 157 with glutamic acid.
Molecular consequence: missense variant. On other transcripts: non-coding transcript variant (1).
Genome position (GRCh38, 1-based): chr11:62,702,485, T>C on the plus strand (A>G on the coding strand, the complement: BSCL2 is on the minus strand). VCF-style: chr11-62702485-T-C. GRCh37 (hg19) VCF-style: chr11-62469957-T-C.
Other names: c.277A>G, p.Lys93Glu (NM_001130702.2, NM_032667.6); c.469A>G, p.Lys157Glu (NM_001386027.1, NM_001386028.1); short protein forms K93E, K157E.
Identifiers: ClinVar variation 1475367 (VCV001475367.10), dbSNP rs773548699, ClinGen allele CA6053566.
Genomic context (GRCh38, chr11:62,702,485, plus strand): 5'-CATCAAAGCTCTAATGAAACCTCTCTCTAGTTCCCATACTCACCCGATCACGTCCACCCT[T>C]AGTCAGCGAGACATTGGCAACAGGGAAGGAGCAGAGTGAGGTGGTGGAGGAATCACAGTC-3'
Protein context (NP_001116427.1, residues 147-167): SFPVANVSLT[Lys157Glu]GGRDRVLMYG

ClinVar aggregate classification (germline): Uncertain significance. Review status: criteria provided, multiple submitters, no conflicts (2 of 4 stars). 2 submissions from 2 submitters: Uncertain significance (2). Last evaluated 2026-04-21.

Conditions:
Charcot-Marie-Tooth disease type 2. Also called: Charcot-Marie-Tooth type 2. Identifiers: Orphanet 64746, MedGen C0270914, MONDO:0018993.
Inborn genetic diseases. Identifiers: MedGen C0950123, MeSH D030342.

Allele frequency attached by ClinVar (database versions not stated): gnomAD exomes 0.00002 and 0.00001; ExAC 0.00002; TOPMed 0.00002.
gnomAD v4.1: 8 of 1,612,652 alleles (0.0005%); highest among the groups gnomAD compares: Admixed American, 0.012%; no homozygotes.

Submissions (2):

Ambry Genetics
Classification: Uncertain significance for Inborn genetic diseases. Last evaluated: 2026-04-21. Review status: criteria provided, single submitter. Criteria: Ambry Variant Classification Scheme 2023. Collection method: clinical testing. Allele origin: germline.
Comment: The c.277A>G (p.K93E) alteration is located in exon 3 (coding exon 2) of the BSCL2 gene. This alteration results from a A to G substitution at nucleotide position 277, causing the lysine (K) at amino acid position 93 to be replaced by a glutamic acid (E). Based on data from gnomAD, the G allele has an overall frequency of 0.002% (6/251338) total alleles studied. The highest observed frequency was 0.017% (6/34572) of Latino alleles. Based on insufficient or conflicting evidence, the clinical significance of this alteration remains unclear.

Labcorp Genetics (formerly Invitae), Labcorp
Classification: Uncertain significance for Charcot-Marie-Tooth disease type 2. Last evaluated: 2026-01-06. Review status: criteria provided, single submitter. Criteria: Invitae Variant Classification Sherloc (09022015). Collection method: clinical testing. Allele origin: germline.
Comment: This sequence change replaces lysine, which is basic and polar, with glutamic acid, which is acidic and polar, at codon 93 of the BSCL2 protein (p.Lys93Glu). This variant is present in population databases (rs773548699, gnomAD 0.01%). This variant has not been reported in the literature in individuals affected with BSCL2-related conditions. ClinVar contains an entry for this variant (Variation ID: 1475367). Invitae Evidence Modeling of protein sequence and biophysical properties (such as structural, functional, and spatial information, amino acid conservation, physicochemical variation, residue mobility, and thermodynamic stability) indicates that this missense variant is not expected to disrupt BSCL2 protein function with a negative predictive value of 80%. In summary, the available evidence is currently insufficient to determine the role of this variant in disease. Therefore, it has been classified as a Variant of Uncertain Significance.